The following is an entry in ClinVar:

NM_014000.3(VCL):c.2428G>A (p.Asp810Asn)

Gene: VCL (vinculin; plus strand). Cytogenetic location: 10q22.2.
Variant type: single nucleotide variant.
Coding change: c.2428G>A on transcript NM_014000.3 (MANE Select); coding-DNA position 2428, G replaced by A.
Protein change: p.Asp810Asn; replaces aspartic acid 810 with asparagine.
Molecular consequence: missense variant.
Genome position (GRCh38, 1-based): chr10:74,105,347, G>A. VCF-style: chr10-74105347-G-A. GRCh37 (hg19) VCF-style: chr10-75865105-G-A.
Other names: p.D810N:GAC>AAC; c.2428G>A, p.Asp810Asn (NM_003373.4); short protein forms D810N.
Identifiers: ClinVar variation 202147 (VCV000202147.6), dbSNP rs751458490, ClinGen allele CA335597.
Genomic context (GRCh38, chr10:74,105,347, plus strand): 5'-TTGAGCAAAACCATCTCCCCGATGGTGATGGATGCAAAAGCTGTGGCTGGAAACATTTCC[G>A]ACCCTGGTAAGCAATGCATGGCACTATGTCTCACCTCCACTGAGAGGTTAACTCAGGAAA-3'
Protein context (NP_054706.1, residues 800-820): DAKAVAGNIS[Asp810Asn]PGLQKSFLDS

ClinVar aggregate classification (germline): Uncertain significance. Review status: criteria provided, multiple submitters, no conflicts (2 of 4 stars). 2 submissions from 2 submitters: Uncertain significance (2). Last evaluated 2025-05-14.

Conditions:
Dilated cardiomyopathy 1W (CMD1W). Identifiers: Orphanet 154, MedGen C1969639, MONDO:0012667, OMIM 611407.

Allele frequency attached by ClinVar (database versions not stated): gnomAD exomes below 0.00001 and 0.00001; TOPMed below 0.00001; gnomAD 0.00001; ExAC 0.00002.
gnomAD v4.1: 5 of 1,612,074 alleles (0.00031%); highest among the groups gnomAD compares: South Asian, 0.0033%; no homozygotes.

Submissions (2):

Labcorp Genetics (formerly Invitae), Labcorp
Classification: Uncertain significance for Dilated cardiomyopathy 1W. Last evaluated: 2025-05-14. Review status: criteria provided, single submitter. Criteria: Invitae Variant Classification Sherloc (09022015). Collection method: clinical testing. Allele origin: germline.
Comment: This sequence change replaces aspartic acid, which is acidic and polar, with asparagine, which is neutral and polar, at codon 810 of the VCL protein (p.Asp810Asn). This variant is present in population databases (rs751458490, gnomAD 0.003%). This variant has not been reported in the literature in individuals affected with VCL-related conditions. ClinVar contains an entry for this variant (Variation ID: 202147). An algorithm developed to predict the effect of missense changes on protein structure and function (PolyPhen-2) suggests that this variant is likely to be tolerated. In summary, the available evidence is currently insufficient to determine the role of this variant in disease. Therefore, it has been classified as a Variant of Uncertain Significance.

GeneDx
Classification: Uncertain significance. Last evaluated: 2014-07-22. Review status: criteria provided, single submitter. Criteria: GeneDx Variant Classification (06012015). Collection method: clinical testing. Allele origin: germline. Affected: yes.
Comment: p.Asp810Asn (GAC>AAC): c.2428 G>A in exon 16 of the VCL gene (NM_014000.2). A variant of unknown significance has been identified in the VCL gene.The D810N variant has not been published as a mutation or as a benign polymorphism to our knowledge. The D810N variant was not observed in approximately 6,500 individuals of European and African American ancestry in the NHLBI Exome Sequencing Project, indicating it is not a common benign variant in these populations. The D810N variant is a semi-conservative amino acid substitution, which may impact secondary protein structure as these residues differ in some properties. This substitution occurs at a position that is conserved across species. In silico analysis is inconsistent in its predictions as to whether or not the variant is damaging to the protein structure/function. A missense mutation in a nearby residue (K815R) has been reported in association with DCM, supporting the functional importance of this region of the protein. Therefore, based on the currently available information, it is unclear whether this variant is a pathogenic mutation or a rare benign variant. The variant is found in CARDIOMYOPATHY panel(s).